The following is an entry in ClinVar:

ClinVar aggregate classification (germline): Uncertain significance. Review status: criteria provided, multiple submitters, no conflicts (2 of 4 stars). 5 submissions from 5 submitters: Uncertain significance (3). 2 of the submissions do not count toward it. Last evaluated 2026-06-26.

Conditions:
Trigonocephaly 2 (TRIGNO2). Identifiers: Orphanet 3366, MedGen C3280974, MONDO:0013774, OMIM 614485.
BNAR syndrome. Also called: Bifid Nose With or Without Anorectal and Renal Anomalies (BNAR) Syndrome. Identifiers: Orphanet 217266, MedGen C2750433, MONDO:0012165, OMIM 608980.
Oculotrichoanal syndrome (MOTA). Also called: Manitoba Oculotrichoanal (MOTA) Syndrome; MARLES SYNDROME. Identifiers: Orphanet 2717, MedGen C1855425, MONDO:0009560, OMIM 248450.

Allele frequency attached by ClinVar (database versions not stated): gnomAD exomes 0.00001.
gnomAD v4.1: 8 of 1,610,274 alleles (0.0005%); highest among the groups gnomAD compares: East Asian, 0.0022%; no homozygotes.

Submissions (5):

Women's Health and Genetics/Laboratory Corporation of America, LabCorp
Classification: Uncertain significance. Last evaluated: 2026-06-26. Review status: criteria provided, single submitter. Criteria: LabCorp Variant Classification Summary - May 2015. Collection method: clinical testing. Allele origin: germline.
Comment: Variant summary: FREM1 c.1945C>T (p.Arg649Trp) results in a non-conservative amino acid change in the encoded protein sequence. Algorithms developed to predict the effect of missense changes on protein structure and function are either unavailable or do not agree on the potential impact of this missense change. The variant was absent in 246196 control chromosomes. c.1945C>T has been observed in the homozygous state in at least 1 individual(s) affected with FREM1-related conditions (example, Alazami_2009). The siblings of this individual had milder presentation (bifid nose) but no renal abnormalities, and segregation/zygosity were not clearly presented. These data indicate that the variant may be associated with disease. To our knowledge, no experimental evidence demonstrating an impact on protein function has been reported. The following publication has been ascertained in the context of this evaluation (PMID: 19732862). ClinVar contains an entry for this variant (Variation ID: 1989). Based on the evidence outlined above, the variant was classified as VUS-possibly pathogenic.

Fulgent Genetics
Classification: Uncertain significance for Oculotrichoanal syndrome; BNAR syndrome; Trigonocephaly 2. Last evaluated: 2024-04-11. Review status: criteria provided, single submitter. Criteria: ACMG Guidelines, 2015. Collection method: clinical testing. Allele origin: germline.

Genomic Medicine Center of Excellence, King Faisal Specialist Hospital and Research Centre
Classification: Uncertain significance for Oculotrichoanal syndrome. Last evaluated: 2024-03-17. Review status: criteria provided, single submitter. Criteria: ACMG Guidelines, 2015. Collection method: research. Allele origin: germline.

OMIM
Classification: Pathogenic for BIFID NOSE WITH OR WITHOUT ANORECTAL AND RENAL ANOMALIES. Last evaluated: 2009-09-01. Review status: no assertion criteria provided. Collection method: literature only. Allele origin: germline. Not counted in ClinVar's aggregate classification.

UniProtKB/Swiss-Prot
No classification provided. Review status: no classification provided. Collection method: not provided. Allele origin: not provided. Not counted in ClinVar's aggregate classification.

Literature cited by the submitters: PubMed 19732862 (cited by Women's Health and Genetics/Laboratory Corporation of America, LabCorp and OMIM).

NM_001379081.2(FREM1):c.1945C>T (p.Arg649Trp)

Gene: FREM1 (FRAS1 related extracellular matrix 1; minus strand). Cytogenetic location: 9p22.3.
Variant type: single nucleotide variant.
Coding change: c.1945C>T on transcript NM_001379081.2 (MANE Select); coding-DNA position 1945, C replaced by T.
Protein change: p.Arg649Trp; replaces arginine 649 with tryptophan.
Molecular consequence: missense variant. On other transcripts: non-coding transcript variant (2).
Genome position (GRCh38, 1-based): chr9:14,824,929, G>A on the plus strand (C>T on the coding strand, the complement: FREM1 is on the minus strand). VCF-style: chr9-14824929-G-A. GRCh37 (hg19) VCF-style: chr9-14824927-G-A.
Other names: c.1945C>T, p.Arg649Trp (NM_144966.7); short protein forms R649W.
Identifiers: ClinVar variation 1989 (VCV000001989.5), dbSNP rs121912609, ClinGen allele CA115305.